The following is an entry in ClinVar:

NM_024306.5(FA2H):c.506+1G>C

Gene: FA2H (fatty acid 2-hydroxylase; minus strand). Cytogenetic location: 16q23.1.
Variant type: single nucleotide variant.
Coding change: c.506+1G>C on transcript NM_024306.5 (MANE Select); the canonical splice donor site of the intron after coding-DNA position 506, G replaced by C.
Molecular consequence: splice donor variant.
Genome position (GRCh38, 1-based): chr16:74,727,243, C>G on the plus strand (G>C on the coding strand, the complement: FA2H is on the minus strand). VCF-style: chr16-74727243-C-G. GRCh37 (hg19) VCF-style: chr16-74761141-C-G.
Identifiers: ClinVar variation 1685805 (VCV001685805.6), dbSNP rs753097023, ClinGen allele CA396769979.

ClinVar aggregate classification (germline): Pathogenic/Likely pathogenic. Review status: criteria provided, multiple submitters, no conflicts (2 of 4 stars). 2 submissions from 2 submitters: Pathogenic (1); Likely pathogenic (1). Last evaluated 2022-05-04.

Conditions:
Spastic paraplegia. Identifiers: MedGen C0037772, HP:0001258.
Hereditary spastic paraplegia 35. Also called: LEUKODYSTROPHY, DYSMYELINATING, AND SPASTIC PARAPARESIS WITH OR WITHOUT DYSTONIA; Spastic paraplegia 35, autosomal recessive; SPASTIC PARAPLEGIA 35, AUTOSOMAL RECESSIVE, WITH OR WITHOUT NEURODEGENERATION; Spastic paraplegia 35. Identifiers: Orphanet 171629, MedGen C3496228, MONDO:0012866, OMIM 612319.

Submissions (2):

Mendelics
Classification: Pathogenic for Hereditary spastic paraplegia 35. Last evaluated: 2022-05-04. Review status: criteria provided, single submitter. Criteria: Mendelics Assertion Criteria 2019. Collection method: clinical testing. Allele origin: germline.

Labcorp Genetics (formerly Invitae), Labcorp
Classification: Likely pathogenic for Spastic paraplegia. Last evaluated: 2022-01-18. Review status: criteria provided, single submitter. Criteria: Invitae Variant Classification Sherloc (09022015). Collection method: clinical testing. Allele origin: germline.
Comment: In summary, the currently available evidence indicates that the variant is pathogenic, but additional data are needed to prove that conclusively. Therefore, this variant has been classified as Likely Pathogenic. Algorithms developed to predict the effect of sequence changes on RNA splicing suggest that this variant may disrupt the consensus splice site. This variant has not been reported in the literature in individuals affected with FA2H-related conditions. This variant is not present in population databases (gnomAD no frequency). This sequence change affects a donor splice site in intron 3 of the FA2H gene. It is expected to disrupt RNA splicing. Variants that disrupt the donor or acceptor splice site typically lead to a loss of protein function (PMID: 16199547), and loss-of-function variants in FA2H are known to be pathogenic (PMID: 20853438, 25496456, 25732363, 26344562).

Literature cited by the submitters: PubMed 16199547 (cited by Labcorp Genetics (formerly Invitae), Labcorp); PubMed 20853438 (cited by Labcorp Genetics (formerly Invitae), Labcorp); PubMed 25496456 (cited by Labcorp Genetics (formerly Invitae), Labcorp); PubMed 25732363 (cited by Labcorp Genetics (formerly Invitae), Labcorp); PubMed 26344562 (cited by Labcorp Genetics (formerly Invitae), Labcorp).